The following is an entry in ClinVar:

ClinVar aggregate classification (germline): Likely pathogenic (1 of 4 stars; one submission).

Conditions:
X-linked complex neurodevelopmental disorder. Identifiers: MedGen CN294807, MONDO:0100148.

Submission:

Dasa
Classification: Likely pathogenic for X-linked complex neurodevelopmental disorder. Last evaluated: 2026-03-03. Review status: criteria provided, single submitter. Criteria: DASA Assertion Criteria. Collection method: clinical testing. Allele origin: germline.
Comment: NM_001029896.2(WDR45):c.165_166del (p.Glu55Aspfs*15) is a frameshift variant in WDR45 predicted to alter the reading frame and introduce a premature termination codon and is predicted to result in an absent or altered protein product. Loss of function is an established disease mechanism for WDR45 (PMID: 23435086; PMID: 23687123; PMID: 25044655). Also, this variant is absent from population databases. Based on the currently available evidence, this variant is classified as likely pathogenic.

Literature cited by the submitters: PubMed 23435086; PubMed 23687123; PubMed 25044655.

NM_001029896.2(WDR45):c.165_166del (p.Glu55fs)

Genes: WDR45 (WD repeat domain 45; minus strand), LOC126863256 (BRD4-independent group 4 enhancer GRCh37_chrX:48934848-48936047; plus strand). Cytogenetic location: Xp11.23.
Variant type: Microsatellite.
Coding change: c.165_166del on transcript NM_001029896.2 (MANE Select); coding-DNA positions 165 to 166, 2 bases deleted (GA; older notation c.165_166delGA).
Protein change: p.Glu55fs; shifts the reading frame from glutamic acid 55.
Molecular consequence: frameshift variant.
Genome position (GRCh38, 1-based): chrX:49,077,712-49,077,713, TC deleted on the plus strand (GA on the coding strand, the reverse complement: WDR45 is on the minus strand); deleting any 2 consecutive bases within chrX:49,077,712-49,077,715 gives the same sequence; the c. name uses the placement nearest the transcript's 3' end. VCF-style (leftmost placement, unchanged base first): chrX-49077711-ATC-A. GRCh37 (hg19) VCF-style: chrX-48935370-ATC-A.
Other names: c.165_166del, p.Glu55fs (NM_007075.4); short protein forms E55fs.
Identifiers: ClinVar variation 4880699 (VCV004880699.2).